The following is an entry in ClinVar:

NM_006859.4(LIAS):c.1067-258T>A

Gene: LIAS (lipoic acid synthetase; plus strand). Cytogenetic location: 4p14.
Variant type: single nucleotide variant.
Coding change: c.1067-258T>A on transcript NM_006859.4 (MANE Select); 258 bases into the intron before coding-DNA position 1067, T replaced by A.
Molecular consequence: intron variant.
Genome position (GRCh38, 1-based): chr4:39,476,805, T>A. VCF-style: chr4-39476805-T-A. GRCh37 (hg19) VCF-style: chr4-39478425-T-A.
Other names: c.955-258T>A (NM_194451.3); c.938-258T>A (NM_001278590.2); c.758-258T>A (NM_001363700.2).
Identifiers: ClinVar variation 674138 (VCV000674138.1), dbSNP rs28655471, ClinGen allele CA95734506.

ClinVar aggregate classification (germline): Likely benign (1 of 4 stars; one submission).

Allele frequency attached by ClinVar (database versions not stated): gnomAD exomes 0.00079; gnomAD 0.00848 and 0.00904; 1000 Genomes Project 0.00919; TOPMed 0.00926; 1000 Genomes Project 30x 0.01015.

Submission:

GeneDx
Classification: Likely benign. Last evaluated: 2018-06-19. Review status: criteria provided, single submitter. Criteria: GeneDx Variant Classification (06012015). Collection method: clinical testing. Allele origin: germline. Affected: yes.
Comment: This variant is considered likely benign or benign based on one or more of the following criteria: it is a conservative change, it occurs at a poorly conserved position in the protein, it is predicted to be benign by multiple in silico algorithms, and/or has population frequency not consistent with disease.